The following is an entry in ClinVar:

ClinVar aggregate classification (germline): Uncertain significance (1 of 4 stars; one submission).

Submission:

Labcorp Genetics (formerly Invitae), Labcorp
Classification: Uncertain significance. Last evaluated: 2025-10-08. Review status: criteria provided, single submitter. Criteria: Invitae Variant Classification Sherloc (09022015). Collection method: clinical testing. Allele origin: germline.
Comment: This sequence change replaces serine, which is neutral and polar, with glycine, which is neutral and non-polar, at codon 127 of the AVP protein (p.Ser127Gly). This variant is not present in population databases (gnomAD no frequency). This variant has not been reported in the literature in individuals affected with AVP-related conditions. ClinVar contains an entry for this variant (Variation ID: 2779413). An algorithm developed to predict the effect of missense changes on protein structure and function outputs the following: PolyPhen-2: "Benign". The glycine amino acid residue is found in multiple mammalian species, which suggests that this missense change does not adversely affect protein function. In summary, the available evidence is currently insufficient to determine the role of this variant in disease. Therefore, it has been classified as a Variant of Uncertain Significance.

NM_000490.5(AVP):c.379A>G (p.Ser127Gly)

Gene: AVP (arginine vasopressin; minus strand). Cytogenetic location: 20p13.
Variant type: single nucleotide variant.
Coding change: c.379A>G on transcript NM_000490.5 (MANE Select); coding-DNA position 379, A replaced by G.
Protein change: p.Ser127Gly; replaces serine 127 with glycine.
Molecular consequence: missense variant.
Genome position (GRCh38, 1-based): chr20:3,082,746, T>C on the plus strand (A>G on the coding strand, the complement: AVP is on the minus strand). VCF-style: chr20-3082746-T-C. GRCh37 (hg19) VCF-style: chr20-3063392-T-C.
Other names: short protein forms S127G.
Identifiers: ClinVar variation 2779413 (VCV002779413.3), dbSNP rs2517099468, ClinGen allele CA408061336.